The following is an entry in ClinVar:

ClinVar aggregate classification (germline): Likely pathogenic (1 of 4 stars; one submission).

Submission:

GeneDx
Classification: Likely pathogenic. Last evaluated: 2016-08-31. Review status: criteria provided, single submitter. Criteria: GeneDx Variant Classification (06012015). Collection method: clinical testing. Allele origin: germline. Affected: yes.
Comment: The c.78delG variant in the GYG1 gene has not been reported previously as a pathogenic variant nor as a benign variant, to our knowledge. The c.78delG variant causes a frameshift starting with codon Lysine 27, changes this amino acid to an Asparagine residue, and creates a premature Stop codon at position 21 of the new reading frame, denoted p.Lys27AsnfsX21. This variant is predicted to cause loss of normal protein function either through protein truncation or nonsense-mediated mRNA decay. The c.78delG variant was not observed in approximately 6,500 individuals of European and African American ancestry in the NHLBI Exome Sequencing Project, indicating it is not a common benign variant in these populations. We interpret c.78delG as a likely pathogenic variant.

NM_004130.4(GYG1):c.78del (p.Lys27fs)

Gene: GYG1 (glycogenin 1; plus strand). Cytogenetic location: 3q24.
Variant type: Deletion.
Coding change: c.78del on transcript NM_004130.4 (MANE Select); coding-DNA position 78, one base deleted (G; older notation c.78delG).
Protein change: p.Lys27fs; shifts the reading frame from lysine 27.
Molecular consequence: frameshift variant.
Genome position (GRCh38, 1-based): chr3:148,994,212, G deleted. VCF-style (leftmost placement, unchanged base first): chr3-148994211-TG-T. GRCh37 (hg19) VCF-style: chr3-148711998-TG-T.
Other names: c.78del, p.Lys27fs (NM_001184720.2, NM_001184721.2); c.78delG (NM_004130.3); short protein forms K27fs.
Identifiers: ClinVar variation 422087 (VCV000422087.2), dbSNP rs1064795548, ClinGen allele CA16617835.